The following is an entry in ClinVar:

NM_001346249.2(RALGAPA1):c.5996-3C>T

Gene: RALGAPA1 (Ral GTPase activating protein catalytic subunit alpha 1; minus strand). Cytogenetic location: 14q13.2.
Variant type: single nucleotide variant.
Coding change: c.5996-3C>T on transcript NM_001346249.2 (MANE Select); 3 bases into the intron before coding-DNA position 5996, C replaced by T.
Molecular consequence: intron variant.
Genome position (GRCh38, 1-based): chr14:35,627,954, G>A on the plus strand (C>T on the coding strand, the complement: RALGAPA1 is on the minus strand). VCF-style: chr14-35627954-G-A. GRCh37 (hg19) VCF-style: chr14-36097160-G-A.
Other names: c.4478-3C>T (NM_194301.4, NM_001346246.2, NM_014990.3 and 1 more transcripts); c.4517-3C>T (NM_001283043.3); c.5855-3C>T (NM_001330075.3, NM_001346248.2); c.4619-3C>T (NM_001346247.2, NM_001283044.3, NM_001346245.2).
Identifiers: ClinVar variation 2240388 (VCV002240388.2), dbSNP rs748070628, ClinGen allele CA7156319.

ClinVar aggregate classification (germline): Uncertain significance (1 of 4 stars; one submission).

Conditions:
Inborn genetic diseases. Identifiers: MedGen C0950123, MeSH D030342.

Allele frequency attached by ClinVar (database versions not stated): gnomAD 0.00001; gnomAD exomes 0.00001; TOPMed 0.00001; ExAC 0.00003.
gnomAD v4.1: 6 of 1,540,622 alleles (0.00039%); highest among the groups gnomAD compares: Middle Eastern, 0.017%; no homozygotes.

Submission:

Ambry Genetics
Classification: Uncertain significance for Inborn genetic diseases. Last evaluated: 2021-09-13. Review status: criteria provided, single submitter. Criteria: Ambry Variant Classification Scheme 2023. Collection method: clinical testing. Allele origin: germline.
Comment: The c.4478-3C>T intronic alteration consists of a C to T substitution 3 nucleotides before exon 33 of the RALGAPA1 gene. Based on insufficient or conflicting evidence, the clinical significance of this alteration remains unclear.